The following is an entry in ClinVar:

ClinVar aggregate classification (germline): Conflicting classifications of pathogenicity. Review status: criteria provided, conflicting classifications (1 of 4 stars). 2 submissions from 2 submitters: Likely pathogenic (1); Uncertain significance (1). Last evaluated 2023-12-01.

Conditions:
IGFALS-related disorder. Also called: IGFALS-related condition.

Submissions (2):

Women's Health and Genetics/Laboratory Corporation of America, LabCorp
Classification: Uncertain significance. Last evaluated: 2023-12-01. Review status: criteria provided, single submitter. Criteria: LabCorp Variant Classification Summary - May 2015. Collection method: clinical testing. Allele origin: germline.
Comment: Variant summary: IGFALS c.1483dupG (p.Glu495GlyfsX42) results in a premature termination codon, predicted to cause a truncation of the encoded protein, however nonsense mediated decay is not expected. No pathogenic variants were observed downstream. The variant allele was found at a frequency of 1.4e-05 in 218022 control chromosomes. The available data on variant occurrences in the general population are insufficient to allow any conclusion about variant significance. To our knowledge, no occurrence of c.1483dupG in individuals affected with Short Stature Due To Primary Acid-Labile Subunit Deficiency and no experimental evidence demonstrating its impact on protein function have been reported. No submitters have cited clinical-significance assessments for this variant to ClinVar after 2014. Based on the evidence outlined above, the variant was classified as uncertain significance.

Blueprint Genetics
Classification: Likely pathogenic for IGFALS-related disorders. Last evaluated: 2021-07-22. Review status: criteria provided, single submitter. Criteria: ACMG Guidelines, 2015. Collection method: clinical testing. Allele origin: germline. Affected: yes. Observed: 1 variant allele.

NM_004970.3(IGFALS):c.1483dup (p.Glu495fs)

Gene: IGFALS (insulin like growth factor binding protein acid labile subunit; minus strand). Cytogenetic location: 16p13.3.
Variant type: Duplication.
Coding change: c.1483dup on transcript NM_004970.3 (MANE Select); coding-DNA position 1483, one base duplicated (G; older notation c.1483dupG).
Protein change: p.Glu495fs; shifts the reading frame from glutamic acid 495.
Molecular consequence: frameshift variant. On other transcripts: non-coding transcript variant (1).
Genome position (GRCh38, 1-based): chr16:1,790,935, C duplicated on the plus strand (G on the coding strand, the reverse complement: IGFALS is on the minus strand); the first of 2 consecutive C bases (chr16:1,790,935-1,790,936); duplicating either gives the same sequence. VCF-style (leftmost placement, unchanged base first): chr16-1790934-T-TC. GRCh37 (hg19) VCF-style: chr16-1840935-T-TC.
Other names: c.1597dup, p.Glu533fs (NM_001146006.2); c.1483dupG (NM_004970.3); short protein forms E495fs, E533fs.
Identifiers: ClinVar variation 2691544 (VCV002691544.2), dbSNP rs1055208203, ClinGen allele CA276742805.
Genomic context (GRCh38, chr16:1,790,934, plus strand): 5'-TTCCTGAGGCTGAGGTAGCGCAGCCGCCCCAGTGGTGCCAAGAGGCTGTTGGGCAATGCC[T>TC]CCAGGCGGTTGTGCGAGACGTCCAGCCAGAAGGCCCGCTGCAGGGGGCCCAGGGCGTCCG-3'